The following is an entry in ClinVar:

ClinVar aggregate classification (germline): Likely pathogenic (1 of 4 stars; one submission).

Conditions:
Intellectual disability, autosomal recessive 53 (NEDHSCA). Also called: NEURODEVELOPMENTAL DISORDER WITH OR WITHOUT HYPOTONIA, SEIZURES, AND CEREBELLAR ATROPHY; GLYCOSYLPHOSPHATIDYLINOSITOL BIOSYNTHESIS DEFECT 13; Mental retardation, autosomal recessive 53. Identifiers: Orphanet 488635, MedGen C4310794, MONDO:0014832, OMIM 616917.

Submission:

Labcorp Genetics (formerly Invitae), Labcorp
Classification: Likely pathogenic for Intellectual disability, autosomal recessive 53. Last evaluated: 2023-12-27. Review status: criteria provided, single submitter. Criteria: Invitae Variant Classification Sherloc (09022015). Collection method: clinical testing. Allele origin: germline.
Comment: This sequence change affects a donor splice site in intron 6 of the PIGG gene. It is expected to disrupt RNA splicing. Variants that disrupt the donor or acceptor splice site typically lead to a loss of protein function (PMID: 16199547), and loss-of-function variants in PIGG are known to be pathogenic (PMID: 26996948, 28581210, 28771251). This variant is not present in population databases (gnomAD no frequency). This variant has not been reported in the literature in individuals affected with PIGG-related conditions. Algorithms developed to predict the effect of sequence changes on RNA splicing suggest that this variant may disrupt the consensus splice site. In summary, the currently available evidence indicates that the variant is pathogenic, but additional data are needed to prove that conclusively. Therefore, this variant has been classified as Likely Pathogenic.

Literature cited by the submitters: PubMed 16199547; PubMed 26996948; PubMed 28581210; PubMed 28771251.

NM_001127178.3(PIGG):c.1114+2T>G

Gene: PIGG (phosphatidylinositol glycan anchor biosynthesis class G (EMM blood group); plus strand). Cytogenetic location: 4p16.3.
Variant type: single nucleotide variant.
Coding change: c.1114+2T>G on transcript NM_001127178.3 (MANE Select); the canonical splice donor site of the intron after coding-DNA position 1114, T replaced by G.
Molecular consequence: splice donor variant.
Genome position (GRCh38, 1-based): chr4:516,187, T>G. VCF-style: chr4-516187-T-G. GRCh37 (hg19) VCF-style: chr4-509976-T-G.
Other names: c.-99+2T>G (NM_001345994.2); c.847+2T>G (NM_001345986.2, NM_001345987.2, NM_001289051.2 and 2 more transcripts); c.-374+2T>G (NM_001345991.2); c.85+2T>G (NM_001345988.2); c.-512+2T>G (NM_001345990.2); c.1114+2T>G (NM_017733.5, NM_001345989.2); c.715+2T>G (NM_001289052.2); c.748+2T>G (NM_001289055.2).
Identifiers: ClinVar variation 2705926 (VCV002705926.3), dbSNP rs2474770136, ClinGen allele CA355902420.